The following is an entry in ClinVar:

ClinVar aggregate classification (germline): Conflicting classifications of pathogenicity. Review status: criteria provided, conflicting classifications (1 of 4 stars). 5 submissions from 5 submitters: Uncertain significance (3); Benign (1); Likely benign (1). Last evaluated 2025-03-11.

Conditions:
CHARGE syndrome (CHARGE). Also called: Coloboma, heart anomaly, choanal atresia, retardation, genital and ear anomalies; CHARGE association; Hall-Hittner syndrome; CHARGE ASSOCIATION--COLOBOMA, HEART ANOMALY, CHOANAL ATRESIA, RETARDATION, GENITAL AND EAR ANOMALIES; Hittner Hirsch Kreh syndrome. Identifiers: Orphanet 138, MedGen C0265354, MONDO:0008965.
Hypogonadotropic hypogonadism 5 with or without anosmia (KAL5). Also called: HYPOGONADOTROPIC HYPOGONADISM 5 WITH ANOSMIA; HYPOGONADOTROPHIC HYPOGONADISM 5 WITHOUT ANOSMIA; CHD7-Related GnRH Deficiency (Kallmann Syndrome 5). Identifiers: Orphanet 478, MedGen C3552553, MONDO:0012880, OMIM 612370. Disease mechanism: loss of function.

Allele frequency attached by ClinVar (database versions not stated): gnomAD 0.00001; gnomAD exomes 0.00001 and 0.00003; TOPMed 0.00001; ExAC 0.00003; ESP Exome Variant Server 0.00008.
gnomAD v4.1: 10 of 1,613,840 alleles (0.00062%); highest among the groups gnomAD compares: Middle Eastern, 0.016%; no homozygotes.

Submissions (5):

Labcorp Genetics (formerly Invitae), Labcorp
Classification: Benign for CHARGE syndrome. Last evaluated: 2025-03-11. Review status: criteria provided, single submitter. Criteria: Invitae Variant Classification Sherloc (09022015). Collection method: clinical testing. Allele origin: germline.

Fulgent Genetics
Classification: Likely benign for CHD7-related CHARGE syndrome; Hypogonadotropic hypogonadism 5 with or without anosmia. Last evaluated: 2024-04-06. Review status: criteria provided, single submitter. Criteria: ACMG Guidelines, 2015. Collection method: clinical testing. Allele origin: germline.

Laboratory for Molecular Medicine, Mass General Brigham Personalized Medicine
Classification: Uncertain significance. Last evaluated: 2018-04-12. Review status: criteria provided, single submitter. Criteria: LMM Criteria. Collection method: clinical testing. Allele origin: germline. Observed: 1 variant allele.
Comment: The p.Pro108His variant in CHD7 has not been previously reported in individuals with CHARGE syndrome, but has been identified in 3/9848 of Ashkenazi Jewish chro mosomes by the Genome Aggregation Database (gnomAD .org; dbSNP rs369818702). Computational prediction tools and conservation analys is do not provide strong support for or against an impact to the protein. In sum mary, the clinical significance of the p.Pro108His variant is uncertain. ACMG/AM P Criteria applied: none.

Center for Human Genetics, Inc
Classification: Uncertain significance for CHARGE syndrome. Last evaluated: 2016-11-01. Review status: criteria provided, single submitter. Criteria: ACMG Guidelines, 2015. Collection method: clinical testing. Allele origin: germline. Affected: yes.

Eurofins Ntd Llc (ga)
Classification: Uncertain significance. Last evaluated: 2015-03-03. Review status: criteria provided, single submitter. Criteria: EGL Classification Definitions 2015. Collection method: clinical testing. Allele origin: germline. Observed: 1 variant allele, 1 heterozygote.

NM_017780.4(CHD7):c.323C>A (p.Pro108His)

Gene: CHD7 (chromodomain helicase DNA binding protein 7; plus strand). Cytogenetic location: 8q12.2.
Variant type: single nucleotide variant.
Coding change: c.323C>A on transcript NM_017780.4 (MANE Select); coding-DNA position 323, C replaced by A.
Protein change: p.Pro108His; replaces proline 108 with histidine.
Molecular consequence: missense variant.
Genome position (GRCh38, 1-based): chr8:60,741,755, C>A. VCF-style: chr8-60741755-C-A. GRCh37 (hg19) VCF-style: chr8-61654314-C-A.
Other names: c.323C>A, p.Pro108His (NM_001316690.1); short protein forms P108H.
Identifiers: ClinVar variation 195333 (VCV000195333.20), dbSNP rs369818702, ClinGen allele CA241723.